The following is an entry in ClinVar:

NM_000038.6(APC):c.6267A>G (p.Glu2089=)

Gene: APC (APC regulator of Wnt signaling pathway; plus strand). Cytogenetic location: 5q22.2.
Variant type: single nucleotide variant.
Coding change: c.6267A>G on transcript NM_000038.6 (MANE Select); coding-DNA position 6267, A replaced by G.
Protein change: p.Glu2089=; no amino-acid change (glutamic acid 2089 retained).
Molecular consequence: synonymous variant.
Genome position (GRCh38, 1-based): chr5:112,841,861, A>G. VCF-style: chr5-112841861-A-G. GRCh37 (hg19) VCF-style: chr5-112177558-A-G.
Other names: c.6267A>G, p.Glu2089= (NM_001127510.3, NM_001354895.2); c.6213A>G, p.Glu2071= (NM_001127511.3); c.6321A>G, p.Glu2107= (NM_001354896.2); c.6297A>G, p.Glu2099= (NM_001354897.2); c.6192A>G, p.Glu2064= (NM_001354898.2); c.6183A>G, p.Glu2061= (NM_001354899.2); c.6144A>G, p.Glu2048= (NM_001354900.2); c.6090A>G, p.Glu2030= (NM_001354901.2); and 6 more.
Identifiers: ClinVar variation 1107131 (VCV001107131.49), dbSNP rs2149961047, ClinGen allele CA446209496.

ClinVar aggregate classification (germline): Conflicting classifications of pathogenicity. Review status: criteria provided, conflicting classifications (1 of 4 stars). 2 submissions from 2 submitters: Uncertain significance (1); Likely benign (1). Last evaluated 2024-07-26.

Conditions:
Familial adenomatous polyposis 1 (FAP1). Also called: FAMILIAL ADENOMATOUS POLYPOSIS 1, ATTENUATED; POLYPOSIS, ADENOMATOUS INTESTINAL. Identifiers: MedGen C2713442, MONDO:0021056, OMIM 175100. Disease mechanism: loss of function.

Submissions (2):

Labcorp Genetics (formerly Invitae), Labcorp
Classification: Likely benign for Familial adenomatous polyposis 1. Last evaluated: 2024-07-26. Review status: criteria provided, single submitter. Criteria: Invitae Variant Classification Sherloc (09022015). Collection method: clinical testing. Allele origin: germline.

Quest Diagnostics Nichols Institute San Juan Capistrano
Classification: Uncertain significance. Last evaluated: 2024-06-27. Review status: criteria provided, single submitter. Criteria: Quest Diagnostics criteria. Collection method: clinical testing. Allele origin: unknown.
Comment: The APC c.6267A>G (p.Glu2089=) synonymous variant has not been reported in individuals with APC-related conditions in the published literature. It also has not been reported in large, multi-ethnic general populations (Genome Aggregation Database). Analysis of this variant using software algorithms for the prediction of the effect of nucleotide changes on splicing yielded predictions that this variant does not affect APC mRNA splicing. Based on the available information, we are unable to determine the clinical significance of this variant.